The following is an entry in ClinVar:

NM_020632.3(ATP6V0A4):c.2011-1G>C

Gene: ATP6V0A4 (ATPase H+ transporting V0 subunit a4; minus strand). Cytogenetic location: 7q34.
Variant type: single nucleotide variant.
Coding change: c.2011-1G>C on transcript NM_020632.3 (MANE Select); the canonical splice acceptor site of the intron before coding-DNA position 2011, G replaced by C.
Molecular consequence: splice acceptor variant.
Genome position (GRCh38, 1-based): chr7:138,722,026, C>G on the plus strand (G>C on the coding strand, the complement: ATP6V0A4 is on the minus strand). VCF-style: chr7-138722026-C-G. GRCh37 (hg19) VCF-style: chr7-138406771-C-G.
Other names: c.2011-1G>C (NM_130840.3, NM_130841.3).
Identifiers: ClinVar variation 2999095 (VCV002999095.3), dbSNP rs1466371618, ClinGen allele CA369377392.

ClinVar aggregate classification (germline): Likely pathogenic (1 of 4 stars; one submission).

Allele frequency attached by ClinVar (database versions not stated): gnomAD exomes below 0.00001.
gnomAD v4.1: 3 of 1,614,112 alleles (0.00019%); highest among the groups gnomAD compares: Non-Finnish European, 0.00017%; no homozygotes.

Submission:

Labcorp Genetics (formerly Invitae), Labcorp
Classification: Likely pathogenic. Last evaluated: 2023-07-28. Review status: criteria provided, single submitter. Criteria: Invitae Variant Classification Sherloc (09022015). Collection method: clinical testing. Allele origin: germline.
Comment: Algorithms developed to predict the effect of sequence changes on RNA splicing suggest that this variant may disrupt the consensus splice site. This sequence change affects an acceptor splice site in intron 18 of the ATP6V0A4 gene. It is expected to disrupt RNA splicing. Variants that disrupt the donor or acceptor splice site typically lead to a loss of protein function (PMID: 16199547), and loss-of-function variants in ATP6V0A4 are known to be pathogenic (PMID: 12414817, 16611712). This variant is present in population databases (no rsID available, gnomAD 0.0009%). This variant has not been reported in the literature in individuals affected with ATP6V0A4-related conditions. In summary, the currently available evidence indicates that the variant is pathogenic, but additional data are needed to prove that conclusively. Therefore, this variant has been classified as Likely Pathogenic.

Literature cited by the submitters: PubMed 16199547; PubMed 12414817; PubMed 16611712.